The following is an entry in ClinVar:

ClinVar aggregate classification (germline): Conflicting classifications of pathogenicity. Review status: criteria provided, conflicting classifications (1 of 4 stars). 4 submissions from 4 submitters: Likely pathogenic (2); Uncertain significance (2). Last evaluated 2026-05-05.

Conditions:
Deficiency of UDPglucose-hexose-1-phosphate uridylyltransferase. Also called: GALACTOSE-1-PHOSPHATE URIDYLYLTRANSFERASE DEFICIENCY; Transferase Deficiency Galactosemia; GALACTOSEMIA I; GALT deficiency; Galactosemia, classic. Identifiers: Orphanet 352, Orphanet 79239, MedGen C0268151, MONDO:0009258, OMIM 230400.

Allele frequency attached by ClinVar (database versions not stated): gnomAD exomes below 0.00001; TOPMed below 0.00001.
gnomAD v4.1: 4 of 1,614,198 alleles (0.00025%); highest among the groups gnomAD compares: Non-Finnish European, 0.00034%; no homozygotes.

Submissions (4):

Myriad Genetics, Inc.
Classification: Uncertain significance for Deficiency of UDPglucose-hexose-1-phosphate uridylyltransferase. Last evaluated: 2026-05-05. Review status: criteria provided, single submitter. Criteria: Myriad Autosomal Dominant, Autosomal Recessive and X-Linked Classification Criteria (2023). Collection method: clinical testing. Allele origin: unknown.
Comment: NM_000155.3(GALT):c.844C>G(L282V) is a missense variant classified as a variant of uncertain significance in the context of galactosemia. L282V has been observed in a case with relevant disease (PMID: 11113841). Relevant functional assessments of this variant are not available in the literature. L282V has not been observed in referenced population frequency databases. In summary, there is insufficient evidence to classify NM_000155.3(GALT):c.844C>G(L282V) as pathogenic or benign. Please note: this variant was assessed in the context of healthy population screening.

Mayo Clinic Laboratories, Mayo Clinic
Classification: Likely pathogenic. Last evaluated: 2024-12-26. Review status: criteria provided, single submitter. Criteria: ACMG Guidelines, 2015. Collection method: clinical testing. Allele origin: germline. Observed: 2 variant alleles.
Comment: PP4, PM2_moderate, PM3_strong

Labcorp Genetics (formerly Invitae), Labcorp
Classification: Uncertain significance for Deficiency of UDPglucose-hexose-1-phosphate uridylyltransferase. Last evaluated: 2021-08-31. Review status: criteria provided, single submitter. Criteria: Invitae Variant Classification Sherloc (09022015). Collection method: clinical testing. Allele origin: germline.
Comment: This sequence change replaces leucine with valine at codon 282 of the GALT protein (p.Leu282Val). The leucine residue is highly conserved and there is a small physicochemical difference between leucine and valine. This variant is not present in population databases (ExAC no frequency). This missense change has been observed in individual(s) with galactosemia (PMID: 11261429; Invitae). In at least one individual the data is consistent with the variant being in trans (on the opposite chromosome) from a pathogenic variant. ClinVar contains an entry for this variant (Variation ID: 25276). Algorithms developed to predict the effect of missense changes on protein structure and function are either unavailable or do not agree on the potential impact of this missense change (SIFT: "Deleterious"; PolyPhen-2: "Possibly Damaging"; Align-GVGD: "Class C0"). Algorithms developed to predict the effect of sequence changes on RNA splicing suggest that this variant may create or strengthen a splice site. In summary, the available evidence is currently insufficient to determine the role of this variant in disease. Therefore, it has been classified as a Variant of Uncertain Significance.

Eurofins Ntd Llc (ga)
Classification: Likely pathogenic. Last evaluated: 2016-03-04. Review status: criteria provided, single submitter. Criteria: EGL Classification Definitions 2015. Collection method: clinical testing. Allele origin: germline. Observed: 6 variant alleles, 6 heterozygotes.

Literature cited by the submitters: PubMed 11113841 (cited by Myriad Genetics, Inc. and Mayo Clinic Laboratories, Mayo Clinic); PubMed 10408771 (cited by Mayo Clinic Laboratories, Mayo Clinic); PubMed 11261429 (cited by Mayo Clinic Laboratories, Mayo Clinic and Labcorp Genetics (formerly Invitae), Labcorp); PubMed 20008339 (cited by Mayo Clinic Laboratories, Mayo Clinic); PubMed 23690308 (cited by Mayo Clinic Laboratories, Mayo Clinic); PubMed 24304607 (cited by Mayo Clinic Laboratories, Mayo Clinic); PubMed 35665479 (cited by Mayo Clinic Laboratories, Mayo Clinic).

NM_000155.4(GALT):c.844C>G (p.Leu282Val)

Gene: GALT (galactose-1-phosphate uridylyltransferase; plus strand). Cytogenetic location: 9p13.3.
Variant type: single nucleotide variant.
Coding change: c.844C>G on transcript NM_000155.4 (MANE Select); coding-DNA position 844, C replaced by G.
Protein change: p.Leu282Val; replaces leucine 282 with valine.
Molecular consequence: missense variant.
Genome position (GRCh38, 1-based): chr9:34,649,021, C>G. VCF-style: chr9-34649021-C-G. GRCh37 (hg19) VCF-style: chr9-34649018-C-G.
Other names: c.517C>G, p.Leu173Val (NM_001258332.2); short protein forms L173V.
Identifiers: ClinVar variation 25276 (VCV000025276.12), dbSNP rs111033772, ClinGen allele CA259517.